The following is an entry in ClinVar:

NM_001302371.3(NBPF10):c.2057A>T (p.Asp686Val)

Gene: NBPF10 (NBPF member 10; minus strand). Cytogenetic location: 1q21.1.
Variant type: single nucleotide variant.
Coding change: c.2057A>T on transcript NM_001302371.3 (MANE Select); coding-DNA position 2057, A replaced by T.
Protein change: p.Asp686Val; replaces aspartic acid 686 with valine.
Molecular consequence: missense variant.
Genome position (GRCh38, 1-based): chr1:146,125,486, T>A on the plus strand (A>T on the coding strand, the complement: NBPF10 is on the minus strand). VCF-style: chr1-146125486-T-A. GRCh37 (hg19) VCF-style: chr1-145312708-A-T.
Other names: c.2057A>T, p.Asp686Val (NM_001039703.6); short protein forms D686V.
Identifiers: ClinVar variation 2639093 (VCV002639093.24), dbSNP rs782345277, ClinGen allele CA1052138.

ClinVar aggregate classification (germline): Likely benign (1 of 4 stars; one submission).

Allele frequency attached by ClinVar (database versions not stated): 1000 Genomes Project 30x 0.00047; gnomAD 0.00061; gnomAD exomes 0.00067; TOPMed 0.00071.
gnomAD v4.1: 305 of 460,714 alleles (0.066%); highest among the groups gnomAD compares: Non-Finnish European, 0.087%; 5 homozygotes.

Submission:

CeGaT Center for Human Genetics Tuebingen
Classification: Likely benign. Last evaluated: 2023-07-01. Review status: criteria provided, single submitter. Criteria: CeGaT Center For Human Genetics Tuebingen Variant Classification Criteria Version 2. Collection method: clinical testing. Allele origin: germline. Affected: yes. Observed: 1 variant allele.
Comment: NBPF10: BP4, BS2